The following is an entry in ClinVar:

ClinVar aggregate classification (germline): Uncertain significance (1 of 4 stars; one submission).

Submission:

Labcorp Genetics (formerly Invitae), Labcorp
Classification: Uncertain significance. Last evaluated: 2022-11-15. Review status: criteria provided, single submitter. Criteria: Invitae Variant Classification Sherloc (09022015). Collection method: clinical testing. Allele origin: germline.
Comment: This sequence change replaces alanine, which is neutral and non-polar, with threonine, which is neutral and polar, at codon 630 of the TOP3A protein (p.Ala630Thr). This variant is not present in population databases (gnomAD no frequency). This variant has not been reported in the literature in individuals affected with TOP3A-related conditions. ClinVar contains an entry for this variant (Variation ID: 1506070). Algorithms developed to predict the effect of missense changes on protein structure and function are either unavailable or do not agree on the potential impact of this missense change (SIFT: "Not Available"; PolyPhen-2: "Probably Damaging"; Align-GVGD: "Not Available"). In summary, the available evidence is currently insufficient to determine the role of this variant in disease. Therefore, it has been classified as a Variant of Uncertain Significance.

NM_004618.5(TOP3A):c.1888G>A (p.Ala630Thr)

Gene: TOP3A (DNA topoisomerase III alpha; minus strand). Cytogenetic location: 17p11.2.
Variant type: single nucleotide variant.
Coding change: c.1888G>A on transcript NM_004618.5 (MANE Select); coding-DNA position 1888, G replaced by A.
Protein change: p.Ala630Thr; replaces alanine 630 with threonine.
Molecular consequence: missense variant.
Genome position (GRCh38, 1-based): chr17:18,282,831, C>T on the plus strand (G>A on the coding strand, the complement: TOP3A is on the minus strand). VCF-style: chr17-18282831-C-T. GRCh37 (hg19) VCF-style: chr17-18186145-C-T.
Other names: c.1603G>A, p.Ala535Thr (NM_001320759.2); short protein forms A535T, A630T.
Identifiers: ClinVar variation 1506070 (VCV001506070.6), dbSNP rs2142944197, ClinGen allele CA398628185.